The following is an entry in ClinVar:

NM_000535.7(PMS2):c.1854G>C (p.Leu618=)

Gene: PMS2 (PMS1 homolog 2, mismatch repair system component; minus strand). Cytogenetic location: 7p22.1.
Variant type: single nucleotide variant.
Coding change: c.1854G>C on transcript NM_000535.7 (MANE Select); coding-DNA position 1854, G replaced by C.
Protein change: p.Leu618=; no amino-acid change (leucine 618 retained).
Molecular consequence: synonymous variant. On other transcripts: non-coding transcript variant (1).
Genome position (GRCh38, 1-based): chr7:5,986,911, C>G on the plus strand (G>C on the coding strand, the complement: PMS2 is on the minus strand). VCF-style: chr7-5986911-C-G. GRCh37 (hg19) VCF-style: chr7-6026542-C-G.
Other names: c.1449G>C, p.Leu483= (NM_001322003.2, NM_001322004.2, NM_001322005.2 and 1 more transcripts); c.1698G>C, p.Leu566= (NM_001322006.2); c.1536G>C, p.Leu512= (NM_001322007.2, NM_001322008.2); c.1293G>C, p.Leu431= (NM_001322010.2); c.921G>C, p.Leu307= (NM_001322011.2, NM_001322012.2); c.1281G>C, p.Leu427= (NM_001322013.2); c.1854G>C, p.Leu618= (NM_001322014.2); c.1545G>C, p.Leu515= (NM_001322015.2).
Identifiers: ClinVar variation 416570 (VCV000416570.14), dbSNP rs876660784, ClinGen allele CA16612253.

ClinVar aggregate classification (germline): Benign/Likely benign. Review status: criteria provided, multiple submitters, no conflicts (2 of 4 stars). 3 submissions from 3 submitters: Benign (1); Likely benign (2). Last evaluated 2025-01-31.

Conditions:
Hereditary cancer-predisposing syndrome. Also called: Tumor predisposition; Neoplastic Syndromes, Hereditary; Hereditary neoplastic syndrome; Hereditary Cancer Syndrome. Identifiers: Orphanet 140162, MedGen C0027672, MeSH D009386, MONDO:0015356.
Hereditary nonpolyposis colorectal neoplasms. Identifiers: MedGen C0009405, MeSH D003123.
Lynch syndrome 4 (LYNCH4). Also called: Colorectal cancer, hereditary nonpolyposis, type 4; Hereditary non-polyposis colorectal cancer, type 4. Identifiers: Orphanet 144, MedGen C1838333, MONDO:0013699, OMIM 614337. Disease mechanism: loss of function.

Submissions (3):

Myriad Genetics, Inc.
Classification: Benign for Lynch syndrome 4. Last evaluated: 2025-01-31. Review status: criteria provided, single submitter. Criteria: Myriad Autosomal Dominant, Autosomal Recessive and X-Linked Classification Criteria (2023). Collection method: clinical testing. Allele origin: unknown.
Comment: This variant is considered benign. This variant is a silent/synonymous amino acid change and it is not expected to impact splicing.

Labcorp Genetics (formerly Invitae), Labcorp
Classification: Likely benign for Hereditary nonpolyposis colorectal neoplasms. Last evaluated: 2024-03-06. Review status: criteria provided, single submitter. Criteria: Invitae Variant Classification Sherloc (09022015). Collection method: clinical testing. Allele origin: germline.

Color Diagnostics, LLC DBA Color Health
Classification: Likely benign for Hereditary cancer-predisposing syndrome. Last evaluated: 2023-02-16. Review status: criteria provided, single submitter. Criteria: ACMG Guidelines, 2015. Collection method: clinical testing. Allele origin: germline.